The following is an entry in ClinVar:

ClinVar aggregate classification (germline): Uncertain significance (1 of 4 stars; one submission).

Allele frequency attached by ClinVar (database versions not stated): gnomAD 0.00001; gnomAD exomes 0.00001; TOPMed 0.00001.
gnomAD v4.1: 11 of 1,613,938 alleles (0.00068%); highest among the groups gnomAD compares: Non-Finnish European, 0.00085%; no homozygotes.

Submission:

Labcorp Genetics (formerly Invitae), Labcorp
Classification: Uncertain significance. Last evaluated: 2024-01-03. Review status: criteria provided, single submitter. Criteria: Invitae Variant Classification Sherloc (09022015). Collection method: clinical testing. Allele origin: germline.
Comment: This sequence change replaces threonine, which is neutral and polar, with arginine, which is basic and polar, at codon 56 of the AFG3L2 protein (p.Thr56Arg). This variant is present in population databases (no rsID available, gnomAD 0.0009%). This variant has not been reported in the literature in individuals affected with AFG3L2-related conditions. Advanced modeling of protein sequence and biophysical properties (such as structural, functional, and spatial information, amino acid conservation, physicochemical variation, residue mobility, and thermodynamic stability) performed at Invitae indicates that this missense variant is not expected to disrupt AFG3L2 protein function with a negative predictive value of 95%. In summary, the available evidence is currently insufficient to determine the role of this variant in disease. Therefore, it has been classified as a Variant of Uncertain Significance.

NM_006796.3(AFG3L2):c.167C>G (p.Thr56Arg)

Gene: AFG3L2 (AFG3 like matrix AAA peptidase subunit 2; minus strand). Cytogenetic location: 18p11.21.
Variant type: single nucleotide variant.
Coding change: c.167C>G on transcript NM_006796.3 (MANE Select); coding-DNA position 167, C replaced by G.
Protein change: p.Thr56Arg; replaces threonine 56 with arginine.
Molecular consequence: missense variant.
Genome position (GRCh38, 1-based): chr18:12,371,639, G>C on the plus strand (C>G on the coding strand, the complement: AFG3L2 is on the minus strand). VCF-style: chr18-12371639-G-C. GRCh37 (hg19) VCF-style: chr18-12371638-G-C.
Other names: short protein forms T56R.
Identifiers: ClinVar variation 2876193 (VCV002876193.3), dbSNP rs1249339790, ClinGen allele CA401955319.